The following is an entry in ClinVar:

NM_000194.3(HPRT1):c.599G>A (p.Arg200Lys)

Gene: HPRT1 (hypoxanthine phosphoribosyltransferase 1; plus strand). Cytogenetic location: Xq26.2.
Variant type: single nucleotide variant.
Coding change: c.599G>A on transcript NM_000194.3 (MANE Select); coding-DNA position 599, G replaced by A.
Protein change: p.Arg200Lys; replaces arginine 200 with lysine.
Molecular consequence: missense variant.
Genome position (GRCh38, 1-based): chrX:134,498,674, G>A. VCF-style: chrX-134498674-G-A. GRCh37 (hg19) VCF-style: chrX-133632704-G-A.
Other names: short protein forms R200K.
Identifiers: ClinVar variation 1488840 (VCV001488840.8), dbSNP rs2124305337, ClinGen allele CA414716046.

ClinVar aggregate classification (germline): Uncertain significance (1 of 4 stars; one submission).

Conditions:
Partial hypoxanthine-guanine phosphoribosyltransferase deficiency. Also called: HPRT DEFICIENCY, PARTIAL; HYPOXANTHINE GUANINE PHOSPHORIBOSYLTRANSFERASE 1 DEFICIENCY, PARTIAL; GOUT, HPRT-RELATED; Kelley-Seegmiller Syndrome; HPRT1 DEFICIENCY, PARTIAL. Identifiers: Orphanet 79233, MedGen C0268117, MONDO:0010299, OMIM 300323.
Lesch-Nyhan syndrome (LNS). Also called: HPRT DEFICIENCY, COMPLETE; Lesch-Nyhan Disease (LND). Identifiers: Orphanet 510, MedGen C0023374, MONDO:0010298, OMIM 300322.

Submission:

Labcorp Genetics (formerly Invitae), Labcorp
Classification: Uncertain significance for Lesch-Nyhan syndrome; Partial hypoxanthine-guanine phosphoribosyltransferase deficiency. Last evaluated: 2021-07-04. Review status: criteria provided, single submitter. Criteria: Invitae Variant Classification Sherloc (09022015). Collection method: clinical testing. Allele origin: germline.
Comment: Algorithms developed to predict the effect of missense changes on protein structure and function are either unavailable or do not agree on the potential impact of this missense change (SIFT: "Deleterious"; PolyPhen-2: "Benign"; Align-GVGD: "Class C0"). This sequence change replaces arginine with lysine at codon 200 of the HPRT1 protein (p.Arg200Lys). The arginine residue is highly conserved and there is a small physicochemical difference between arginine and lysine. This variant is not present in population databases (ExAC no frequency). This variant has not been reported in the literature in individuals affected with HPRT1-related conditions. Algorithms developed to predict the effect of sequence changes on RNA splicing suggest that this variant may create or strengthen a splice site. In summary, the available evidence is currently insufficient to determine the role of this variant in disease. Therefore, it has been classified as a Variant of Uncertain Significance.